The following is an entry in ClinVar:

NM_006929.5(SKIC2):c.1142G>A (p.Gly381Glu)

Genes: SKIC2 (SKI2 subunit of superkiller complex; plus strand), LOC126859653 (CDK7 strongly-dependent group 2 enhancer GRCh37_chr6:31929542-31930741; plus strand). Cytogenetic location: 6p21.33.
Variant type: single nucleotide variant.
Coding change: c.1142G>A on transcript NM_006929.5 (MANE Select); coding-DNA position 1142, G replaced by A.
Protein change: p.Gly381Glu; replaces glycine 381 with glutamic acid.
Molecular consequence: missense variant.
Genome position (GRCh38, 1-based): chr6:31,962,516, G>A. VCF-style: chr6-31962516-G-A. GRCh37 (hg19) VCF-style: chr6-31930293-G-A.
Other names: short protein forms G381E.
Identifiers: ClinVar variation 2999448 (VCV002999448.3), dbSNP rs763479284, ClinGen allele CA3729366.
Genomic context (GRCh38, chr6:31,962,516, plus strand): 5'-CCATCAAGGCCCTGAGCAACCAGAAGTTCCGGGACTTCCGAAACACATTCGGGGATGTGG[G>A]GCTGCTCACCGGGGATGTACAGCTGCATCCGGAGGCCTCCTGCCTCATCATGACCACAGA-3'
Protein context (NP_008860.4, residues 371-391): RDFRNTFGDV[Gly381Glu]LLTGDVQLHP

ClinVar aggregate classification (germline): Uncertain significance (1 of 4 stars; one submission).

Allele frequency attached by ClinVar (database versions not stated): gnomAD exomes below 0.00001; ExAC 0.00001.
gnomAD v4.1: 4 of 1,614,056 alleles (0.00025%); highest among the groups gnomAD compares: Non-Finnish European, 0.00034%; no homozygotes.

Submission:

Labcorp Genetics (formerly Invitae), Labcorp
Classification: Uncertain significance. Last evaluated: 2023-04-06. Review status: criteria provided, single submitter. Criteria: Invitae Variant Classification Sherloc (09022015). Collection method: clinical testing. Allele origin: germline.
Comment: In summary, the available evidence is currently insufficient to determine the role of this variant in disease. Therefore, it has been classified as a Variant of Uncertain Significance. An algorithm developed to predict the effect of missense changes on protein structure and function (PolyPhen-2) suggests that this variant is likely to be disruptive. This variant has not been reported in the literature in individuals affected with SKIV2L-related conditions. This variant is present in population databases (rs763479284, gnomAD 0.0009%). This sequence change replaces glycine, which is neutral and non-polar, with glutamic acid, which is acidic and polar, at codon 381 of the SKIV2L protein (p.Gly381Glu).